The following is an entry in ClinVar:

ClinVar aggregate classification (germline): Conflicting classifications of pathogenicity. Review status: criteria provided, conflicting classifications (1 of 4 stars). 4 submissions from 4 submitters: Uncertain significance (2); Benign (1). 1 of the submissions does not count toward it. Last evaluated 2025-08-11.

Conditions:
Monogenic diabetes. Identifiers: Orphanet 183625, MedGen C3888631, MONDO:0015967.
LEPR-related disorder. Also called: LEPR-related condition; LEPR-related disorders.

Allele frequency attached by ClinVar (database versions not stated): gnomAD exomes 0.00009 and 0.00015; ExAC 0.00020; gnomAD 0.00059 and 0.00062; 1000 Genomes Project 0.00060; TOPMed 0.00070; ESP Exome Variant Server 0.00108; 1000 Genomes Project 30x 0.00125.
gnomAD v4.1: 220 of 1,614,018 alleles (0.014%); highest among the groups gnomAD compares: African/African-American, 0.26%; no homozygotes.

Submissions (4):

Labcorp Genetics (formerly Invitae), Labcorp
Classification: Benign. Last evaluated: 2025-08-11. Review status: criteria provided, single submitter. Criteria: Invitae Variant Classification Sherloc (09022015). Collection method: clinical testing. Allele origin: germline.

Personalized Diabetes Medicine Program, University of Maryland School of Medicine
Classification: Uncertain significance for Monogenic diabetes. Last evaluated: 2018-12-21. Review status: criteria provided, single submitter. Criteria: ACMG Guidelines, 2015. Collection method: research. Allele origin: unknown. Observed: 3 variant alleles, 3 heterozygotes.
Comment: ACMG criteria: BP4 (REVEL 0.053 + 9 predictors)= VUS

Breakthrough Genomics
Classification: Uncertain significance. Review status: criteria provided, single submitter. Criteria: ACMG Guidelines, 2015. Collection method: not provided. Allele origin: germline. Inheritance: Autosomal recessive inheritance. Affected: yes.

PreventionGenetics, part of Exact Sciences
Classification: Likely benign for LEPR-related condition. Last evaluated: 2022-09-21. Review status: no assertion criteria provided. Collection method: clinical testing. Allele origin: germline. Not counted in ClinVar's aggregate classification.
Comment: This variant is classified as likely benign based on ACMG/AMP sequence variant interpretation guidelines (Richards et al. 2015 PMID: 25741868, with internal and published modifications).

NM_002303.6(LEPR):c.3247A>G (p.Thr1083Ala)

Gene: LEPR (leptin receptor; plus strand). Cytogenetic location: 1p31.3.
Variant type: single nucleotide variant.
Coding change: c.3247A>G on transcript NM_002303.6 (MANE Select); coding-DNA position 3247, A replaced by G.
Protein change: p.Thr1083Ala; replaces threonine 1083 with alanine.
Molecular consequence: missense variant.
Genome position (GRCh38, 1-based): chr1:65,636,764, A>G. VCF-style: chr1-65636764-A-G. GRCh37 (hg19) VCF-style: chr1-66102447-A-G.
Other names: short protein forms T1083A.
Identifiers: ClinVar variation 549505 (VCV000549505.9), dbSNP rs149329546, ClinGen allele CA895239.